The following is an entry in ClinVar:

ClinVar aggregate classification (germline): Uncertain significance (1 of 4 stars; one submission).

Conditions:
Developmental and epileptic encephalopathy, 9 (DEE9). Also called: Early infantile epileptic encephalopathy 9; JUBERG-HELLMAN SYNDROME; EPILEPSY, FEMALE-RESTRICTED, WITH MENTAL RETARDATION; PCDH19-Related X-Linked Female-Limited Epilepsy with Mental Retardation. Identifiers: Orphanet 101039, Orphanet 2076, MedGen C1848137, MONDO:0010246, OMIM 300088. Disease mechanism: loss of function.

Submission:

Labcorp Genetics (formerly Invitae), Labcorp
Classification: Uncertain significance for Developmental and epileptic encephalopathy, 9. Last evaluated: 2023-11-18. Review status: criteria provided, single submitter. Criteria: Invitae Variant Classification Sherloc (09022015). Collection method: clinical testing. Allele origin: unknown.
Comment: This variant results in a copy number gain of the genomic region encompassing exon(s) 1-3 of the PCDH19 gene. This region includes the initiator codon of the gene. This copy number gain extends beyond the assayed region for this gene and therefore may encompass additional genes. As the precise location of this event is unknown, it may be in tandem or it may be located elsewhere in the genome. A similar copy number variant has been observed in individual(s) with epilepsy (PMID: 33131168). Experimental studies and prediction algorithms are not available or were not evaluated, and the functional significance of this variant is currently unknown. In summary, the available evidence is currently insufficient to determine the role of this variant in disease. Therefore, it has been classified as a Variant of Uncertain Significance.

Literature cited by the submitters: PubMed 33131168.

NC_000023.10:g.(?_99657502)_(99663595_?)dup

Gene: PCDH19 (protocadherin 19; minus strand). Cytogenetic location: Xq22.1.
Variant type: Duplication.
Identifiers: ClinVar variation 3244916 (VCV003244916.1).